The following is an entry in ClinVar:

ClinVar aggregate classification (germline): Uncertain significance (1 of 4 stars; one submission).

gnomAD v4.1: 2 of 1,550,490 alleles (0.00013%); highest among the groups gnomAD compares: Non-Finnish European, 0.00017%; no homozygotes.

Submission:

Labcorp Genetics (formerly Invitae), Labcorp
Classification: Uncertain significance. Last evaluated: 2022-08-08. Review status: criteria provided, single submitter. Criteria: Invitae Variant Classification Sherloc (09022015). Collection method: clinical testing. Allele origin: germline.
Comment: This sequence change replaces asparagine, which is neutral and polar, with serine, which is neutral and polar, at codon 1127 of the EYS protein (p.Asn1127Ser). This variant is not present in population databases (gnomAD no frequency). This variant has not been reported in the literature in individuals affected with EYS-related conditions. Algorithms developed to predict the effect of missense changes on protein structure and function output the following: SIFT: "Tolerated"; PolyPhen-2: "Benign"; Align-GVGD: "Class C0". The serine amino acid residue is found in multiple mammalian species, which suggests that this missense change does not adversely affect protein function. In summary, the available evidence is currently insufficient to determine the role of this variant in disease. Therefore, it has been classified as a Variant of Uncertain Significance.

NM_001142800.2(EYS):c.3380A>G (p.Asn1127Ser)

Gene: EYS (eyes shut homolog; minus strand). Cytogenetic location: 6q12.
Variant type: single nucleotide variant.
Coding change: c.3380A>G on transcript NM_001142800.2 (MANE Select); coding-DNA position 3380, A replaced by G.
Protein change: p.Asn1127Ser; replaces asparagine 1127 with serine.
Molecular consequence: missense variant.
Genome position (GRCh38, 1-based): chr6:64,813,441, T>C on the plus strand (A>G on the coding strand, the complement: EYS is on the minus strand). VCF-style: chr6-64813441-T-C. GRCh37 (hg19) VCF-style: chr6-65523334-T-C.
Other names: c.3380A>G, p.Asn1127Ser (NM_001292009.2); short protein forms N1127S.
Identifiers: ClinVar variation 1932867 (VCV001932867.2), dbSNP rs779510375, ClinGen allele CA140368130.